The following is an entry in ClinVar:

ClinVar aggregate classification (germline): Uncertain significance (1 of 4 stars; one submission).

Allele frequency attached by ClinVar (database versions not stated): gnomAD exomes below 0.00001.

Submission:

Labcorp Genetics (formerly Invitae), Labcorp
Classification: Uncertain significance. Last evaluated: 2022-06-22. Review status: criteria provided, single submitter. Criteria: Invitae Variant Classification Sherloc (09022015). Collection method: clinical testing. Allele origin: germline.
Comment: In summary, the available evidence is currently insufficient to determine the role of this variant in disease. Therefore, it has been classified as a Variant of Uncertain Significance. Algorithms developed to predict the effect of missense changes on protein structure and function output the following: SIFT: "Tolerated"; PolyPhen-2: "Benign"; Align-GVGD: "Class C0". The leucine amino acid residue is found in multiple mammalian species, which suggests that this missense change does not adversely affect protein function. This sequence change replaces valine, which is neutral and non-polar, with leucine, which is neutral and non-polar, at codon 893 of the CEP152 protein (p.Val893Leu). This variant is not present in population databases (gnomAD no frequency). This variant has not been reported in the literature in individuals affected with CEP152-related conditions.

NM_001194998.2(CEP152):c.2677G>C (p.Val893Leu)

Gene: CEP152 (centrosomal protein 152; minus strand). Cytogenetic location: 15q21.1.
Variant type: single nucleotide variant.
Coding change: c.2677G>C on transcript NM_001194998.2 (MANE Select); coding-DNA position 2677, G replaced by C.
Protein change: p.Val893Leu; replaces valine 893 with leucine.
Molecular consequence: missense variant.
Genome position (GRCh38, 1-based): chr15:48,760,152, C>G on the plus strand (G>C on the coding strand, the complement: CEP152 is on the minus strand). VCF-style: chr15-48760152-C-G. GRCh37 (hg19) VCF-style: chr15-49052349-C-G.
Other names: c.2677G>C, p.Val893Leu (NM_014985.4); short protein forms V893L.
Identifiers: ClinVar variation 2008925 (VCV002008925.4), dbSNP rs2504640560, ClinGen allele CA392344747.